The following is an entry in ClinVar:

ClinVar aggregate classification (germline): Benign/Likely benign. Review status: criteria provided, multiple submitters, no conflicts (2 of 4 stars). 5 submissions from 5 submitters: Benign (3); Likely benign (2). Last evaluated 2026-04-15.

Conditions:
SLC39A13-related disorder. Also called: SLC39A13-related condition.
Ehlers-Danlos syndrome, spondylodysplastic type, 3. Also called: Ehlers-Danlos syndrome, spondylocheirodysplastic type. Identifiers: Orphanet 157965, MedGen C2676510, MONDO:0012873, OMIM 612350.

Allele frequency attached by ClinVar (database versions not stated): ESP Exome Variant Server 0.00008; TOPMed 0.00014; gnomAD exomes 0.00160 and 0.00318; 1000 Genomes Project 0.00519; gnomAD 0.00003 and 0.00093; ExAC 0.00377; 1000 Genomes Project 30x 0.00484.
gnomAD v4.1: 2,467 of 1,613,464 alleles (0.15%); highest among the groups gnomAD compares: South Asian, 2.6%; 58 homozygotes.

Submissions (7):

Women's Health and Genetics/Laboratory Corporation of America, LabCorp
Classification: Benign. Last evaluated: 2026-04-15. Review status: criteria provided, single submitter. Criteria: LabCorp Variant Classification Summary - May 2015. Collection method: clinical testing. Allele origin: germline.

Labcorp Genetics (formerly Invitae), Labcorp
Classification: Benign for Ehlers-Danlos syndrome, spondylodysplastic type, 3. Last evaluated: 2026-01-19. Review status: criteria provided, single submitter. Criteria: Invitae Variant Classification Sherloc (09022015). Collection method: clinical testing. Allele origin: germline.

PreventionGenetics, part of Exact Sciences
Classification: Benign for SLC39A13-related condition. Last evaluated: 2024-12-13. Review status: criteria provided, single submitter. Criteria: ACMG Guidelines, 2015. Collection method: clinical testing. Allele origin: germline.
Comment: This variant is classified as benign based on ACMG/AMP sequence variant interpretation guidelines (Richards et al. 2015 PMID: 25741868, with internal and published modifications).

GeneDx
Classification: Likely benign. Last evaluated: 2021-02-03. Review status: criteria provided, single submitter. Criteria: GeneDx Variant Classification Process June 2021. Collection method: clinical testing. Allele origin: germline. Affected: yes.

Breakthrough Genomics
Classification: Likely benign. Review status: criteria provided, single submitter. Criteria: ACMG Guidelines, 2015. Collection method: not provided. Allele origin: germline. Inheritance: Autosomal recessive inheritance. Affected: yes.

Dr. Peter K. Rogan Lab, Western University
No classification provided (evidence only). Condition: Familial cancer of breast. Review status: no classification provided. Collection method: in vitro. Allele origin: not applicable. Functional consequence: retained intron. Not counted in ClinVar's aggregate classification.

Dr. Peter K. Rogan Lab, Western University
No classification provided (evidence only). Condition: Thyroid cancer, nonmedullary, 1. Review status: no classification provided. Collection method: in vitro. Allele origin: not applicable. Functional consequence: retained intron. Not counted in ClinVar's aggregate classification.

NM_001128225.3(SLC39A13):c.930T>C (p.Ser310=)

Gene: SLC39A13 (solute carrier family 39 member 13; plus strand). Cytogenetic location: 11p11.2.
Variant type: single nucleotide variant.
Coding change: c.930T>C on transcript NM_001128225.3 (MANE Select); coding-DNA position 930, T replaced by C.
Protein change: p.Ser310=; no amino-acid change (serine 310 retained).
Molecular consequence: synonymous variant. On other transcripts: intron variant (2).
Genome position (GRCh38, 1-based): chr11:47,415,049, T>C. VCF-style: chr11-47415049-T-C. GRCh37 (hg19) VCF-style: chr11-47436600-T-C.
Other names: c.920-11T>C (NM_152264.5); c.916-11T>C (NM_001330245.2); c.930T>C (NM_001128225.2).
Identifiers: ClinVar variation 1188446 (VCV001188446.14), dbSNP rs371311030, ClinGen allele CA5976016.